The following is an entry in ClinVar:

ClinVar aggregate classification (germline): Uncertain significance (1 of 4 stars; one submission).

Conditions:
Dyskeratosis congenita, autosomal recessive 6 (DKCB6). Identifiers: MedGen C4225356, MONDO:0014600, OMIM 616353.
Pulmonary fibrosis and/or bone marrow failure, Telomere-related, 4. Also called: PULMONARY FIBROSIS AND/OR BONE MARROW FAILURE SYNDROME, TELOMERE-RELATED, 4. Identifiers: Orphanet 2032, MedGen C4225347, MONDO:0014612, OMIM 616371.

gnomAD v4.1: 5 of 1,613,538 alleles (0.00031%); highest among the groups gnomAD compares: Non-Finnish European, 0.00042%; no homozygotes.

Submission:

Labcorp Genetics (formerly Invitae), Labcorp
Classification: Uncertain significance for Dyskeratosis congenita, autosomal recessive 6; Pulmonary fibrosis and/or bone marrow failure, Telomere-related, 4. Last evaluated: 2024-02-14. Review status: criteria provided, single submitter. Criteria: Invitae Variant Classification Sherloc (09022015). Collection method: clinical testing. Allele origin: germline.
Comment: This sequence change replaces phenylalanine, which is neutral and non-polar, with valine, which is neutral and non-polar, at codon 452 of the PARN protein (p.Phe452Val). This variant is not present in population databases (gnomAD no frequency). This variant has not been reported in the literature in individuals affected with PARN-related conditions. Advanced modeling of protein sequence and biophysical properties (such as structural, functional, and spatial information, amino acid conservation, physicochemical variation, residue mobility, and thermodynamic stability) performed at Invitae indicates that this missense variant is not expected to disrupt PARN protein function with a negative predictive value of 80%. In summary, the available evidence is currently insufficient to determine the role of this variant in disease. Therefore, it has been classified as a Variant of Uncertain Significance.

NM_002582.4(PARN):c.1354T>G (p.Phe452Val)

Gene: PARN (poly(A)-specific ribonuclease; minus strand). Cytogenetic location: 16p13.12.
Variant type: single nucleotide variant.
Coding change: c.1354T>G on transcript NM_002582.4 (MANE Select); coding-DNA position 1354, T replaced by G.
Protein change: p.Phe452Val; replaces phenylalanine 452 with valine.
Molecular consequence: missense variant.
Genome position (GRCh38, 1-based): chr16:14,554,116, A>C on the plus strand (T>G on the coding strand, the complement: PARN is on the minus strand). VCF-style: chr16-14554116-A-C. GRCh37 (hg19) VCF-style: chr16-14647973-A-C.
Other names: c.1171T>G, p.Phe391Val (NM_001134477.3); c.1216T>G, p.Phe406Val (NM_001242992.2); short protein forms F391V, F406V, F452V.
Identifiers: ClinVar variation 3762126 (VCV003762126.2).